The following is an entry in ClinVar:

ClinVar aggregate classification (germline): Conflicting classifications of pathogenicity. Review status: criteria provided, conflicting classifications (1 of 4 stars). 16 submissions from 16 submitters: Uncertain significance (8); Likely benign (2). 6 of the submissions do not count toward it. Last evaluated 2026-02-02.

Conditions:
MYH6-related disorder. Also called: MYH6-related condition; MYH6-Related Disorders.
Cardiovascular phenotype. Identifiers: MedGen CN230736.
Cardiomyopathy (CMYO). Also called: Cardiomyopathies. Identifiers: Orphanet 167848, MedGen C0878544, MONDO:0004994, HP:0001638. Inheritance: Various modes of inheritance.
Hypertrophic cardiomyopathy 14. Identifiers: MedGen C2750467, MONDO:0013197, OMIM 613251.

Allele frequency attached by ClinVar (database versions not stated): ESP Exome Variant Server 0.00008; TOPMed 0.00038; ExAC 0.00039; gnomAD exomes 0.00039; gnomAD 0.00041 and 0.00042.

Submissions 1 to 10 of 16:

Labcorp Genetics (formerly Invitae), Labcorp
Classification: Uncertain significance for Hypertrophic cardiomyopathy 14. Last evaluated: 2026-02-02. Review status: criteria provided, single submitter. Criteria: Invitae Variant Classification Sherloc (09022015). Collection method: clinical testing. Allele origin: germline.
Comment: This sequence change replaces arginine, which is basic and polar, with glutamine, which is neutral and polar, at codon 1398 of the MYH6 protein (p.Arg1398Gln). This variant is present in population databases (rs150815925, gnomAD 0.07%), and has an allele count higher than expected for a pathogenic variant. This missense change has been observed in individual(s) with clinical features of MYH6-related conditions (PMID: 24082139, 26383259, 26656175, 29517769, 30847666, 30975432, 36178741). ClinVar contains an entry for this variant (Variation ID: 191712). Invitae Evidence Modeling of protein sequence and biophysical properties (such as structural, functional, and spatial information, amino acid conservation, physicochemical variation, residue mobility, and thermodynamic stability) has been performed for this missense variant. However, the output from this modeling did not meet the statistical confidence thresholds required to predict the impact of this variant on MYH6 protein function. In summary, the available evidence is currently insufficient to determine the role of this variant in disease. Therefore, it has been classified as a Variant of Uncertain Significance.

Women's Health and Genetics/Laboratory Corporation of America, LabCorp
Classification: Uncertain significance. Last evaluated: 2025-10-06. Review status: criteria provided, single submitter. Criteria: LabCorp Variant Classification Summary - May 2015. Collection method: clinical testing. Allele origin: germline.
Comment: Variant summary: MYH6 c.4193G>A (p.Arg1398Gln) results in a conservative amino acid change located in the Myosin tail domain of the encoded protein sequence. Algorithms developed to predict the effect of missense changes on protein structure and function are either unavailable or do not agree on the potential impact of this missense change. The variant allele was found at a frequency of 0.00039 in 251346 control chromosomes. The observed variant frequency exceeds the estimated maximal expected allele frequency for disease-causing variants in MYH6. c.4193G>A, has been reported in individuals affected with congenital heart disease and Cardiomyopathy (Bottillo_2015, Gonzalez-Garay_2013, Hertz_2016).. These data indicate that the variant may be associated with disease. To our knowledge, no experimental evidence demonstrating an impact on protein function has been reported. The following publications have been ascertained in the context of this evaluation (PMID: 23861362, 24082139, 25351510, 26656175, 26350513, 28087566, 29517769, 25500235, 29332214, 36178741). ClinVar contains an entry for this variant (Variation ID: 191712). Based on the evidence outlined above, the variant was classified as VUS-possibly benign.

Ambry Genetics
Classification: Uncertain significance for Cardiovascular phenotype. Last evaluated: 2025-02-24. Review status: criteria provided, single submitter. Criteria: Ambry Variant Classification Scheme 2023. Collection method: clinical testing. Allele origin: germline.
Comment: The p.R1398Q variant (also known as c.4193G>A), located in coding exon 28 of the MYH6 gene, results from a G to A substitution at nucleotide position 4193. The arginine at codon 1398 is replaced by glutamine, an amino acid with highly similar properties. This variant has co-occurred with variants in other cardiac-related genes in an individual with atrial septal defect (Blue GM et al. J. Am. Coll. Cardiol. 2014 Dec;64(23):2498-506). This variant was detected in an individual reportedly affected with cardiomyopathy and cardiac dysrhythmia and also found in an unaffected individual with family history of cardiomyopathy (Gonzalez-Garay ML et al. Proc. Natl. Acad. Sci. U.S.A., 2013 Oct;110:16957-62). This variant has also been reported in additional hypertrophic and dilated cardiomyopathy cohorts where, in several cases, it co-occurred with other variants in cardiac-related genes (Lopes LR et al. Heart, 2015 Feb;101:294-301; Bottillo I et al. Gene, 2016 Feb;577:227-35; Hertz CL et al. Int J Legal Med. 2016 Jan;130(1):91-102; Herkert JC et al. Genet Med. 2018 11;20(11):1374-1386; Asatryan B et al. Am J Cardiol. 2019 06;123(12):2031-2038). In addition, this variant has been published as a secondary cardiac variant of unknown significance in an exome cohort (Ng D et al. Circ Cardiovasc Genet, 2013 Aug;6:337-46). This amino acid position is highly conserved in available vertebrate species. In addition, the in silico prediction for this alteration is inconclusive. Since supporting evidence is limited at this time, the clinical significance of this variant remains unclear.

GeneDx
Classification: Uncertain significance. Last evaluated: 2024-06-26. Review status: criteria provided, single submitter. Criteria: GeneDx Variant Classification Process June 2021. Collection method: clinical testing. Allele origin: germline. Affected: yes.
Comment: Reported in association with arrhythmia, sudden death, cardiomyopathy, atrial septal defect, and non-syndromic pulmonary stenosis (PMID: 24082139, 25500235, 26656175, 25351510, 29332214, 26383259, 29517769, 30847666, 30975432, 36178741); In silico analysis supports that this missense variant has a deleterious effect on protein structure/function; This variant is associated with the following publications: (PMID: 29332214, 23861362, 28087566, 26383259, 25351510, 26350513, 30847666, 25500235, 30975432, 34426522, 29517769, 35621855, 24082139, 38279275, 36178741, 26656175)

Blueprint Genetics
Classification: Likely benign. Last evaluated: 2023-10-25. Review status: criteria provided, single submitter. Criteria: ACMG Guidelines, 2015. Collection method: clinical testing. Allele origin: germline.

CeGaT Center for Human Genetics Tuebingen
Classification: Uncertain significance. Last evaluated: 2023-05-01. Review status: criteria provided, single submitter. Criteria: CeGaT Center For Human Genetics Tuebingen Variant Classification Criteria Version 2. Collection method: clinical testing. Allele origin: germline. Affected: yes. Observed: 1 variant allele.
Comment: MYH6: PS4:Moderate, PP2, PP3, BP5

ARUP Laboratories, Molecular Genetics and Genomics, ARUP Laboratories
Classification: Uncertain significance. Last evaluated: 2019-09-04. Review status: criteria provided, single submitter. Criteria: ARUP Molecular Germline Variant Investigation Process. Collection method: clinical testing. Allele origin: germline.
Comment: The MYH6 c.4193G>A; p.Arg1398Gln variant (rs150815925) has been identified in at least three patients with some form of cardiomyopathy (Gonzalez-Garay 2013, Bottillo 2016, Pulignani 2018). This variant was also observed in one individual selected from a large cohort not selected for cardiomyopathy, and classified as uncertain based on population frequency (Ng 2013). This variant is listed in the Genome Aggregation Database (gnomAD) with a frequency of 0.07 percent in the East Asian population (identified on 20 out of 30,616 chromosomes) and has been reported to the ClinVar database (Variation ID: 191712). The arginine at position 1398 is highly conserved up to Opossum considering 5 species and computational analyses of the effects of the p.Arg1398Gln variant on protein structure and function provides conflicting results (SIFT: damaging, PolyPhen-2: benign). Thus, based on the available information, the clinical significance of this variant is uncertain.

CHEO Genetics Diagnostic Laboratory, Children's Hospital of Eastern Ontario
Classification: Likely benign for Cardiomyopathy. Last evaluated: 2018-03-26. Review status: criteria provided, single submitter. Criteria: ACMG Guidelines, 2015. Collection method: clinical testing. Allele origin: germline.

Laboratory for Molecular Medicine, Mass General Brigham Personalized Medicine
Classification: Uncertain significance. Last evaluated: 2015-07-01. Review status: criteria provided, single submitter. Criteria: LMM Criteria. Collection method: clinical testing. Allele origin: germline. Observed: 1 variant allele.
Comment: The p.Arg1398Gln variant in MYH6 has been previously reported in 1 adult with ca rdiac dysrhythmia and 1 unaffected adult with a family history of DCM through a whole exome sequencing study (Gonzalez-Garay 2013). It has also been identified in 36/66590 European chromosomes by the Exome Aggregation Consortium (ExAC; dbSNP rs150815925). Computational prediction tools a nd conservation analysis do not provide strong support for or against an impact to the protein. In summary, the clinical significance of the p.Arg1398Gln varian t is uncertain.

Biesecker Lab/Clinical Genomics Section, National Institutes of Health
Classification: Uncertain significance. Last evaluated: 2013-06-24. Review status: criteria provided, single submitter. Criteria: Ng et al. (Circ Cardiovasc Genet. 2013). Collection method: research. Allele origin: unknown. Observed: 1 variant allele. Study: ClinSeq.
Comment: The study set was not selected for affection status in relation to any cancer. Pathogenicity categories were based on literature curation. See Pubmed ID:23861362 for details.

Medical sequencing

NM_002471.4(MYH6):c.4193G>A (p.Arg1398Gln)

Gene: MYH6 (myosin heavy chain 6; minus strand). Cytogenetic location: 14q11.2.
Variant type: single nucleotide variant.
Coding change: c.4193G>A on transcript NM_002471.4 (MANE Select); coding-DNA position 4193, G replaced by A.
Protein change: p.Arg1398Gln; replaces arginine 1398 with glutamine.
Molecular consequence: missense variant.
Genome position (GRCh38, 1-based): chr14:23,388,321, C>T on the plus strand (G>A on the coding strand, the complement: MYH6 is on the minus strand). VCF-style: chr14-23388321-C-T. GRCh37 (hg19) VCF-style: chr14-23857530-C-T.
Other names: short protein forms R1398Q.
Identifiers: ClinVar variation 191712 (VCV000191712.67), dbSNP rs150815925, ClinGen allele CA237345.
Genomic context (GRCh38, chr14:23,388,321, plus strand): 5'-TTCTCCAGTGAGGAGCACTTGGCATTAACAGCCTCCACGGCCTCCTCGGCATCCTGCAGC[C>T]GCTGGGCCAGCTTCTTTCTGCCCAGGTGAGGGTGGAGGGTGTGTGTGTGACTCTACTGGG-3'
Protein context (NP_002462.2, residues 1388-1408): LEEAKKKLAQ[Arg1398Gln]LQDAEEAVEA